The following is an entry in ClinVar:

ClinVar aggregate classification (germline): Uncertain significance. Review status: criteria provided, multiple submitters, no conflicts (2 of 4 stars). 2 submissions from 2 submitters: Uncertain significance (2). Last evaluated 2022-08-15.

Conditions:
Immunodeficiency 51 (IMD51). Also called: CANDIDIASIS, FAMILIAL, 5. Identifiers: Orphanet 1334, MedGen C4310803, MONDO:0013500, OMIM 613953.

Submissions (2):

Labcorp Genetics (formerly Invitae), Labcorp
Classification: Uncertain significance for Immunodeficiency 51. Last evaluated: 2022-08-15. Review status: criteria provided, single submitter. Criteria: Invitae Variant Classification Sherloc (09022015). Collection method: clinical testing. Allele origin: germline.
Comment: In summary, the available evidence is currently insufficient to determine the role of this variant in disease. Therefore, it has been classified as a Variant of Uncertain Significance. Experimental studies and prediction algorithms are not available or were not evaluated, and the functional significance of this variant is currently unknown. This variant has not been reported in the literature in individuals affected with IL17RA-related conditions. This variant is present in population databases (rs751990928, gnomAD 0.005%). This variant, c.61_69del, results in the deletion of 3 amino acid(s) of the IL17RA protein (p.Leu21_Leu23del), but otherwise preserves the integrity of the reading frame.

Blueprint Genetics
Classification: Uncertain significance. Last evaluated: 2021-07-14. Review status: criteria provided, single submitter. Criteria: ACMG Guidelines, 2015. Collection method: clinical testing. Allele origin: germline.

NM_014339.7(IL17RA):c.52CTGCTCCTG[1] (p.Leu21_Leu23del)

Genes: IL17RA (interleukin 17 receptor A; plus strand), LOC130066894 (ATAC-STARR-seq lymphoblastoid silent region 13430; plus strand). Cytogenetic location: 22q11.1.
Variant type: Microsatellite.
Coding change: c.52CTGCTCCTG[1] on transcript NM_014339.7 (MANE Select); one copy of the 9-base unit CTGCTCCTG starting at c.52; the reference has two copies in a row; one copy, 9 bases deleted.
Protein change: p.Leu21_Leu23del.
Molecular consequence: inframe deletion.
Genome position (GRCh38, 1-based): chr22:17,085,152-17,085,160, CTGCTCCTG deleted; deleting any 9 consecutive bases within chr22:17,085,142-17,085,160 gives the same sequence; the position shown is the placement nearest the transcript's 3' end. VCF-style (leftmost placement, unchanged base first): chr22-17085141-GGCTGCTCCT-G. GRCh37 (hg19) VCF-style: chr22-17566031-GGCTGCTCCT-G.
Other names: c.52CTGCTCCTG[1], p.Leu21_Leu23del (NM_001289905.2).
Identifiers: ClinVar variation 1046681 (VCV001046681.12), dbSNP rs751990928, ClinGen allele CA10086210.